The following is an entry in ClinVar:

ClinVar aggregate classification (germline): Pathogenic (1 of 4 stars; one submission).

Submission:

Labcorp Genetics (formerly Invitae), Labcorp
Classification: Pathogenic. Last evaluated: 2023-09-25. Review status: criteria provided, single submitter. Criteria: Invitae Variant Classification Sherloc (09022015). Collection method: clinical testing. Allele origin: germline.
Comment: This sequence change creates a premature translational stop signal (p.Arg3Serfs*40) in the COL2A1 gene. It is expected to result in an absent or disrupted protein product. Loss-of-function variants in COL2A1 are known to be pathogenic (PMID: 20179744). This variant is not present in population databases (gnomAD no frequency). This variant has not been reported in the literature in individuals affected with COL2A1-related conditions. For these reasons, this variant has been classified as Pathogenic.

Literature cited by the submitters: PubMed 20179744.

NM_001844.5(COL2A1):c.6dup (p.Arg3fs)

Gene: COL2A1 (collagen type II alpha 1 chain; minus strand). Cytogenetic location: 12q13.11.
Variant type: Duplication.
Coding change: c.6dup on transcript NM_001844.5 (MANE Select); coding-DNA position 6, one base duplicated (T; older notation c.6dupT).
Protein change: p.Arg3fs; shifts the reading frame from arginine 3.
Molecular consequence: frameshift variant.
Genome position (GRCh38, 1-based): chr12:48,004,316, A duplicated on the plus strand (T on the coding strand, the reverse complement: COL2A1 is on the minus strand); the first of 2 consecutive A bases (chr12:48,004,316-48,004,317); duplicating either gives the same sequence. VCF-style (leftmost placement, unchanged base first): chr12-48004315-G-GA. GRCh37 (hg19) VCF-style: chr12-48398098-G-GA.
Other names: c.6dup, p.Arg3fs (NM_033150.3); short protein forms R3fs.
Identifiers: ClinVar variation 2812872 (VCV002812872.3), dbSNP rs2540194271, ClinGen allele CA2739271992.